The following is an entry in ClinVar:

NM_006231.4(POLE):c.6638C>T (p.Ala2213Val)

Gene: POLE (DNA polymerase epsilon, catalytic subunit; minus strand). Cytogenetic location: 12q24.33.
Variant type: single nucleotide variant.
Coding change: c.6638C>T on transcript NM_006231.4 (MANE Select); coding-DNA position 6638, C replaced by T.
Protein change: p.Ala2213Val; replaces alanine 2213 with valine.
Molecular consequence: missense variant.
Genome position (GRCh38, 1-based): chr12:132,625,664, G>A on the plus strand (C>T on the coding strand, the complement: POLE is on the minus strand). VCF-style: chr12-132625664-G-A. GRCh37 (hg19) VCF-style: chr12-133202250-G-A.
Other names: short protein forms A2213V.
Identifiers: ClinVar variation 4141076 (VCV004141076.1).

ClinVar aggregate classification (germline): Uncertain significance (1 of 4 stars; one submission).

Conditions:
Hereditary cancer-predisposing syndrome. Also called: Hereditary neoplastic syndrome; Neoplastic Syndromes, Hereditary; Tumor predisposition; Hereditary Cancer Syndrome. Identifiers: Orphanet 140162, MedGen C0027672, MeSH D009386, MONDO:0015356.

Submission:

Ambry Genetics
Classification: Uncertain significance for Hereditary cancer-predisposing syndrome. Last evaluated: 2025-08-21. Review status: criteria provided, single submitter. Criteria: Ambry Variant Classification Scheme 2023. Collection method: clinical testing. Allele origin: germline.
Comment: The p.A2213V variant (also known as c.6638C>T), located in coding exon 47 of the POLE gene, results from a C to T substitution at nucleotide position 6638. The alanine at codon 2213 is replaced by valine, an amino acid with similar properties. This amino acid position is not well conserved in available vertebrate species. In addition, the in silico prediction for this alteration is inconclusive. Based on the available evidence, the clinical significance of this variant remains unclear.